The following is an entry in ClinVar:

ClinVar aggregate classification (germline): Uncertain significance (1 of 4 stars; one submission).

Conditions:
2-aminoadipic 2-oxoadipic aciduria (AAKAD). Also called: ALPHA-AMINOADIPIC AND ALPHA-KETOADIPIC ACIDURIA; Aminoadipic aciduria. Identifiers: Orphanet 79154, MedGen C1859817, MONDO:0008774, OMIM 204750.

Allele frequency attached by ClinVar (database versions not stated): gnomAD exomes 0.00002; ExAC 0.00003; TOPMed 0.00003.
gnomAD v4.1: 10 of 1,614,050 alleles (0.00062%); highest among the groups gnomAD compares: Admixed American, 0.017%; no homozygotes.

Submission:

Labcorp Genetics (formerly Invitae), Labcorp
Classification: Uncertain significance for 2-aminoadipic 2-oxoadipic aciduria. Last evaluated: 2025-01-24. Review status: criteria provided, single submitter. Criteria: Invitae Variant Classification Sherloc (09022015). Collection method: clinical testing. Allele origin: germline.
Comment: This sequence change replaces leucine, which is neutral and non-polar, with valine, which is neutral and non-polar, at codon 205 of the DHTKD1 protein (p.Leu205Val). This variant is present in population databases (rs756840826, gnomAD 0.03%). This variant has not been reported in the literature in individuals affected with DHTKD1-related conditions. ClinVar contains an entry for this variant (Variation ID: 2061063). Invitae Evidence Modeling of protein sequence and biophysical properties (such as structural, functional, and spatial information, amino acid conservation, physicochemical variation, residue mobility, and thermodynamic stability) indicates that this missense variant is not expected to disrupt DHTKD1 protein function with a negative predictive value of 80%. In summary, the available evidence is currently insufficient to determine the role of this variant in disease. Therefore, it has been classified as a Variant of Uncertain Significance.

NM_018706.7(DHTKD1):c.613C>G (p.Leu205Val)

Gene: DHTKD1 (dehydrogenase E1 and transketolase domain containing 1; plus strand). Cytogenetic location: 10p14.
Variant type: single nucleotide variant.
Coding change: c.613C>G on transcript NM_018706.7 (MANE Select); coding-DNA position 613, C replaced by G.
Protein change: p.Leu205Val; replaces leucine 205 with valine.
Molecular consequence: missense variant.
Genome position (GRCh38, 1-based): chr10:12,087,625, C>G. VCF-style: chr10-12087625-C-G. GRCh37 (hg19) VCF-style: chr10-12129624-C-G.
Other names: short protein forms L205V.
Identifiers: ClinVar variation 2061063 (VCV002061063.4), dbSNP rs756840826, ClinGen allele CA5407591.
Genomic context (GRCh38, chr10:12,087,625, plus strand): 5'-TCGACAGTGAAGCGATATGGAGGCGAAGGGGCTGAAAGCATGATGGGCTTTTTCCACGAG[C>G]TGCTGAAAATGTCGGCCTACAGCGGGATCACTGATGTCATTATTGGGATGCCCCATAGAG-3'
Protein context (NP_061176.4, residues 195-215): AESMMGFFHE[Leu205Val]LKMSAYSGIT